The following is an entry in ClinVar:

NM_005896.4(IDH1):c.998T>G (p.Ile333Ser)

Gene: IDH1 (isocitrate dehydrogenase (NADP(+)) 1; minus strand). Cytogenetic location: 2q34.
Variant type: single nucleotide variant.
Coding change: c.998T>G on transcript NM_005896.4 (MANE Select); coding-DNA position 998, T replaced by G.
Protein change: p.Ile333Ser; replaces isoleucine 333 with serine.
Molecular consequence: missense variant.
Genome position (GRCh38, 1-based): chr2:208,239,227, A>C on the plus strand (T>G on the coding strand, the complement: IDH1 is on the minus strand). VCF-style: chr2-208239227-A-C. GRCh37 (hg19) VCF-style: chr2-209103951-A-C.
Other names: c.998T>G, p.Ile333Ser (NM_001282386.1, NM_001282387.1); short protein forms I333S.
Identifiers: ClinVar variation 1768827 (VCV001768827.2), dbSNP rs1175270965, ClinGen allele CA350094890.

ClinVar aggregate classification (germline): Uncertain significance (1 of 4 stars; one submission).

Allele frequency attached by ClinVar (database versions not stated): gnomAD exomes below 0.00001.
gnomAD v4.1: 2 of 1,614,036 alleles (0.00012%); highest among the groups gnomAD compares: Non-Finnish European, 0.000085%; no homozygotes.

Submission:

Ambry Genetics
Classification: Uncertain significance. Last evaluated: 2022-05-06. Review status: criteria provided, single submitter. Criteria: Ambry Variant Classification Scheme 2023. Collection method: clinical testing. Allele origin: germline.
Comment: The p.I333S variant (also known as c.998T>G), located in coding exon 7 of the IDH1 gene, results from a T to G substitution at nucleotide position 998. The isoleucine at codon 333 is replaced by serine, an amino acid with dissimilar properties. This amino acid position is conserved. In addition, this alteration is predicted to be deleterious by in silico analysis. Since supporting evidence is limited at this time, the clinical significance of this alteration remains unclear.